The following is an entry in ClinVar:

NM_001277115.2(DNAH11):c.7978C>T (p.Gln2660Ter)

Gene: DNAH11 (dynein axonemal heavy chain 11; plus strand). Cytogenetic location: 7p15.3.
Variant type: single nucleotide variant.
Coding change: c.7978C>T on transcript NM_001277115.2 (MANE Select); coding-DNA position 7978, C replaced by T.
Protein change: p.Gln2660Ter; replaces glutamine 2660 with a stop codon.
Molecular consequence: nonsense.
Genome position (GRCh38, 1-based): chr7:21,741,990, C>T. VCF-style: chr7-21741990-C-T. GRCh37 (hg19) VCF-style: chr7-21781608-C-T.
Other names: c.7999C>T, p.Gln2667Ter (NM_003777.3); short protein forms Q2667*, Q2660*.
Identifiers: ClinVar variation 2737990 (VCV002737990.4), dbSNP rs1562520885, ClinGen allele CA366951744.

ClinVar aggregate classification (germline): Pathogenic/Likely pathogenic. Review status: criteria provided, multiple submitters, no conflicts (2 of 4 stars). 2 submissions from 2 submitters: Pathogenic (1); Likely pathogenic (1). Last evaluated 2025-09-17.

Conditions:
Primary ciliary dyskinesia. Also called: Ciliary dyskinesia. Identifiers: Orphanet 244, MedGen C0008780, MONDO:0016575, HP:0012265.
Primary ciliary dyskinesia 7. Also called: CILIARY DYSKINESIA, PRIMARY, 7, WITH OR WITHOUT SITUS INVERSUS. Identifiers: Orphanet 244, MedGen C2678473, MONDO:0012748, OMIM 611884.

Allele frequency attached by ClinVar (database versions not stated): gnomAD 0.00002; TOPMed 0.00004.
gnomAD v4.1: 6 of 1,613,790 alleles (0.00037%); highest among the groups gnomAD compares: Admixed American, 0.0017%; no homozygotes.

Submissions (2):

Labcorp Genetics (formerly Invitae), Labcorp
Classification: Pathogenic for Primary ciliary dyskinesia. Last evaluated: 2025-09-17. Review status: criteria provided, single submitter. Criteria: Invitae Variant Classification Sherloc (09022015). Collection method: clinical testing. Allele origin: germline.
Comment: This sequence change creates a premature translational stop signal (p.Gln2660*) in the DNAH11 gene. It is expected to result in an absent or disrupted protein product. Loss-of-function variants in DNAH11 are known to be pathogenic (PMID: 18022865, 20513915, 22184204). This variant is not present in population databases (gnomAD no frequency). This variant has not been reported in the literature in individuals affected with DNAH11-related conditions. ClinVar contains an entry for this variant (Variation ID: 2737990). For these reasons, this variant has been classified as Pathogenic.

Fulgent Genetics
Classification: Likely pathogenic for Primary ciliary dyskinesia 7. Last evaluated: 2024-04-29. Review status: criteria provided, single submitter. Criteria: ACMG Guidelines, 2015. Collection method: clinical testing. Allele origin: germline.

Literature cited by the submitters: PubMed 18022865 (cited by Labcorp Genetics (formerly Invitae), Labcorp); PubMed 20513915 (cited by Labcorp Genetics (formerly Invitae), Labcorp); PubMed 22184204 (cited by Labcorp Genetics (formerly Invitae), Labcorp).